The following is an entry in ClinVar:

NM_000238.4(KCNH2):c.1967T>G (p.Phe656Cys)

Gene: KCNH2 (potassium voltage-gated channel subfamily H member 2; minus strand). Cytogenetic location: 7q36.1.
Variant type: single nucleotide variant.
Coding change: c.1967T>G on transcript NM_000238.4 (MANE Select); coding-DNA position 1967, T replaced by G.
Protein change: p.Phe656Cys; replaces phenylalanine 656 with cysteine.
Molecular consequence: missense variant.
Genome position (GRCh38, 1-based): chr7:150,951,099, A>C on the plus strand (T>G on the coding strand, the complement: KCNH2 is on the minus strand). VCF-style: chr7-150951099-A-C. GRCh37 (hg19) VCF-style: chr7-150648187-A-C.
Other names: c.1967T>G (LRG_288t1); c.947T>G, p.Phe316Cys (NM_001204798.2, NM_172057.3); c.1679T>G, p.Phe560Cys (NM_001406753.1, NM_001406756.1); c.1790T>G, p.Phe597Cys (NM_001406755.1); c.1667T>G, p.Phe556Cys (NM_001406757.1); c.1967T>G, p.Phe656Cys (NM_172056.3); short protein forms F316C, F656C, F560C, F597C, F556C.
Identifiers: ClinVar variation 67347 (VCV000067347.3), dbSNP rs199472977, ClinGen allele CA006105.

ClinVar aggregate classification (germline): not provided (0 of 4 stars; one submission).

Conditions:
Familial long QT syndrome (RWS). Also called: Congenital long QT syndrome; Romano-Ward syndrome; VENTRICULAR FIBRILLATION WITH PROLONGED QT INTERVAL. Identifiers: Orphanet 768, MedGen C1141890, MONDO:0019171.

Submission:

Cardiovascular Biomedical Research Unit, Royal Brompton & Harefield NHS Foundation Trust
No classification provided. Condition: Familial long QT syndrome. Review status: no classification provided. Collection method: literature only. Allele origin: germline.
Comment: This variant has been reported as associated with Long QT syndrome in the following publications (PMID:16414944). This is a literature report, and does not necessarily reflect the clinical interpretation of the Imperial College / Royal Brompton Cardiovascular Genetics laboratory.

Literature cited by the submitters: PubMed 16414944; PubMed 22581653.